The following is an entry in ClinVar:

ClinVar aggregate classification (germline): Pathogenic (1 of 4 stars; one submission).

Conditions:
Gorlin syndrome. Also called: Nevoid Basal Cell Carcinoma Syndrome; Basal cell nevus syndrome. Identifiers: Orphanet 377, MedGen C0004779, MONDO:0007187.

Submission:

Labcorp Genetics (formerly Invitae), Labcorp
Classification: Pathogenic for Gorlin syndrome. Last evaluated: 2016-08-16. Review status: criteria provided, single submitter. Criteria: Invitae Variant Classification Sherloc (09022015). Collection method: clinical testing. Allele origin: germline.
Comment: For these reasons, this variant has been classified as Pathogenic. While this particular variant has not been reported in the literature, loss of function variants in PTCH1 are known to be pathogenic (PMID: 16301862, 16419085). This sequence change inserts 1 nucleotide in exon 15 of the PTCH1 mRNA (c.2342dupT), causing a frameshift at codon 782. This creates a premature translational stop signal (p.Pro782Thrfs*8) and is expected to result in an absent or disrupted protein product.

Literature cited by the submitters: PubMed 16301862; PubMed 16419085.

NM_000264.5(PTCH1):c.2342dup (p.Pro782fs)

Genes: PTCH1 (patched 1; minus strand), LOC100507346 (uncharacterized LOC100507346; plus strand). Cytogenetic location: 9q22.32.
Variant type: Duplication.
Coding change: c.2342dup on transcript NM_000264.5 (MANE Select); coding-DNA position 2342, one base duplicated (T; older notation c.2342dupT).
Protein change: p.Pro782fs; shifts the reading frame from proline 782.
Molecular consequence: frameshift variant. On other transcripts: non-coding transcript variant (1).
Genome position (GRCh38, 1-based): chr9:95,467,334, A duplicated on the plus strand (T on the coding strand, the reverse complement: PTCH1 is on the minus strand). VCF-style (leftmost placement, unchanged base first): chr9-95467333-T-TA. GRCh37 (hg19) VCF-style: chr9-98229615-T-TA.
Other names: c.2144dup, p.Pro716fs (NM_001083602.3); c.2339dup, p.Pro781fs (NM_001083603.3); c.1889dup, p.Pro631fs (NM_001083604.3, NM_001083605.3, NM_001083606.3 and 1 more transcripts); c.2186dup, p.Pro730fs (NM_001354918.2); short protein forms P716fs, P782fs, P631fs, P730fs, P781fs.
Identifiers: ClinVar variation 409198 (VCV000409198.10), dbSNP rs1060502294, ClinGen allele CA16612841.
Genomic context (GRCh38, chr9:95,467,333, plus strand): 5'-GTAGAAAGAAAAGTATTTGAATTGTGCAGCAATAAAGTCATATTCTCTGGTTTCCCGAGG[T>TA]ACAATGTCCGTAAGGTCCAGCCCGTCTCTCACTCGGGTGGTGCCATAAAGGCTGACCCCC-3'